The following is an entry in ClinVar:

ClinVar aggregate classification (germline): Uncertain significance (1 of 4 stars; one submission).

Conditions:
X-linked immunodeficiency with magnesium defect, Epstein-Barr virus infection and neoplasia. Identifiers: Orphanet 317476, MedGen C3275445, MONDO:0010455, OMIM 300853.

Submission:

Labcorp Genetics (formerly Invitae), Labcorp
Classification: Uncertain significance for X-linked immunodeficiency with magnesium defect, Epstein-Barr virus infection and neoplasia. Last evaluated: 2021-03-03. Review status: criteria provided, single submitter. Criteria: Invitae Variant Classification Sherloc (09022015). Collection method: clinical testing. Allele origin: germline.
Comment: In summary, the available evidence is currently insufficient to determine the role of this variant in disease. Therefore, it has been classified as a Variant of Uncertain Significance. This variant has not been reported in the literature in individuals with MAGT1-related conditions. This variant is a gross deletion of the genomic region encompassing exon(s) 9-10 of the MAGT1 gene. The 5' boundary is likely confined to intron 8. The 3' end of this event is unknown as it extends through the termination codon beyond the assayed region for this gene and may encompass additional genes. While this deletion is not anticipated to lead to nonsense mediated decay, it is expected to alter mRNA translation or result in a truncated protein product.

NC_000023.10:g.(?_77084717)_(77086412_?)del

Gene: MAGT1 (magnesium transporter 1; minus strand). Cytogenetic location: Xq21.1.
Variant type: Deletion.
Identifiers: ClinVar variation 1445162 (VCV001445162.6).